The following is an entry in ClinVar:

ClinVar aggregate classification (germline): Uncertain significance (1 of 4 stars; one submission).

Conditions:
Inborn genetic diseases. Identifiers: MedGen C0950123, MeSH D030342.

gnomAD v4.1: 5 of 1,613,310 alleles (0.00031%); highest among the groups gnomAD compares: South Asian, 0.0011%; no homozygotes.

Submission:

Ambry Genetics
Classification: Uncertain significance for Inborn genetic diseases. Last evaluated: 2022-02-12. Review status: criteria provided, single submitter. Criteria: Ambry Variant Classification Scheme 2023. Collection method: clinical testing. Allele origin: germline.
Comment: The p.G5D variant (also known as c.14G>A), located in coding exon 1 of the ATR gene, results from a G to A substitution at nucleotide position 14. The glycine at codon 5 is replaced by aspartic acid, an amino acid with similar properties. This amino acid position is conserved. In addition, this alteration is predicted to be tolerated by in silico analysis. Since supporting evidence is limited at this time, the clinical significance of this alteration remains unclear.

NM_001184.4(ATR):c.14G>A (p.Gly5Asp)

Gene: ATR (ATR checkpoint kinase; minus strand). Cytogenetic location: 3q23.
Variant type: single nucleotide variant.
Coding change: c.14G>A on transcript NM_001184.4 (MANE Select); coding-DNA position 14, G replaced by A.
Protein change: p.Gly5Asp; replaces glycine 5 with aspartic acid.
Molecular consequence: missense variant.
Genome position (GRCh38, 1-based): chr3:142,578,691, C>T on the plus strand (G>A on the coding strand, the complement: ATR is on the minus strand). VCF-style: chr3-142578691-C-T. GRCh37 (hg19) VCF-style: chr3-142297533-C-T.
Other names: c.14G>A, p.Gly5Asp (NM_001354579.2); short protein forms G5D.
Identifiers: ClinVar variation 1773982 (VCV001773982.2), dbSNP rs200753177, ClinGen allele CA2650877.
Genomic context (GRCh38, chr3:142,578,691, plus strand): 5'-TGGGCCTAGCCCTACCTGCCCAGCTCCCGCAGGGCGGGGATCATGGAAGCCAGCTCCAGG[C>T]CATGTTCCCCCATGCTGAGGCTGCGAGGCACTAGTCAACCACGCCAACGCGGGTTCCCGG-3'
Protein context (NP_001175.2, residues 1-15): MGEH[Gly5Asp]LELASMIPAL